The following is an entry in ClinVar:

ClinVar aggregate classification (germline): Likely benign. Review status: criteria provided, multiple submitters, no conflicts (2 of 4 stars). 2 submissions from 2 submitters: Likely benign (2). Last evaluated 2025-12-29.

Allele frequency attached by ClinVar (database versions not stated): gnomAD 0.00023 and 0.00029; TOPMed 0.00030; ESP Exome Variant Server 0.00031; gnomAD exomes 0.00043.
gnomAD v4.1: 672 of 1,613,926 alleles (0.042%); highest among the groups gnomAD compares: Non-Finnish European, 0.052%; no homozygotes.

Submissions (2):

Labcorp Genetics (formerly Invitae), Labcorp
Classification: Likely benign. Last evaluated: 2025-12-29. Review status: criteria provided, single submitter. Criteria: Invitae Variant Classification Sherloc (09022015). Collection method: clinical testing. Allele origin: germline.

Mayo Clinic Laboratories, Mayo Clinic
Classification: Likely benign. Last evaluated: 2025-12-06. Review status: criteria provided, single submitter. Criteria: ACMG Guidelines, 2015. Collection method: clinical testing. Allele origin: germline. Observed: 1 variant allele.
Comment: BP4, BP7

NM_002336.3(LRP6):c.213C>T (p.Ser71=)

Gene: LRP6 (LDL receptor related protein 6; minus strand). Cytogenetic location: 12p13.2.
Variant type: single nucleotide variant.
Coding change: c.213C>T on transcript NM_002336.3 (MANE Select); coding-DNA position 213, C replaced by T.
Protein change: p.Ser71=; no amino-acid change (serine 71 retained).
Molecular consequence: synonymous variant.
Genome position (GRCh38, 1-based): chr12:12,244,498, G>A on the plus strand (C>T on the coding strand, the complement: LRP6 is on the minus strand). VCF-style: chr12-12244498-G-A. GRCh37 (hg19) VCF-style: chr12-12397432-G-A.
Other names: p.Ser71=.
Identifiers: ClinVar variation 1650114 (VCV001650114.9), dbSNP rs145354281, ClinGen allele CA6455924.